The following is an entry in ClinVar:

NM_001903.5(CTNNA1):c.1244A>G (p.Glu415Gly)

Gene: CTNNA1 (catenin alpha 1; plus strand). Cytogenetic location: 5q31.2.
Variant type: single nucleotide variant.
Coding change: c.1244A>G on transcript NM_001903.5 (MANE Select); coding-DNA position 1244, A replaced by G.
Protein change: p.Glu415Gly; replaces glutamic acid 415 with glycine.
Molecular consequence: missense variant. On other transcripts: 5 prime UTR variant (5), intron variant (2).
Genome position (GRCh38, 1-based): chr5:138,887,590, A>G. VCF-style: chr5-138887590-A-G. GRCh37 (hg19) VCF-style: chr5-138223279-A-G.
Other names: c.134A>G, p.Glu45Gly (NM_001323994.1, NM_001323995.1, NM_001323996.1 and 18 more transcripts); c.1244A>G, p.Glu415Gly (NM_001290307.3, NM_001323982.2, NM_001323983.1 and 3 more transcripts); c.935A>G, p.Glu312Gly (NM_001290309.3); c.875A>G, p.Glu292Gly (NM_001290310.3); c.-264A>G (NM_001324006.1, NM_001324007.1, NM_001324008.1 and 1 more transcripts); c.-139A>G (NM_001324013.1); c.-58+11993A>G (NM_001324012.1); c.-61+11993A>G (NM_001324010.1); short protein forms E292G, E312G, E415G, E45G.
Identifiers: ClinVar variation 4869486 (VCV004869486.1).

ClinVar aggregate classification (germline): Uncertain significance (1 of 4 stars; one submission).

Conditions:
Hereditary cancer-predisposing syndrome. Also called: Neoplastic Syndromes, Hereditary; Tumor predisposition; Hereditary Cancer Syndrome; Hereditary neoplastic syndrome. Identifiers: Orphanet 140162, MedGen C0027672, MeSH D009386, MONDO:0015356.

Submission:

Ambry Genetics
Classification: Uncertain significance for Hereditary cancer-predisposing syndrome. Last evaluated: 2026-05-14. Review status: criteria provided, single submitter. Criteria: Ambry Variant Classification Scheme 2023. Collection method: clinical testing. Allele origin: germline.
Comment: The p.E415G variant (also known as c.1244A>G), located in coding exon 8 of the CTNNA1 gene, results from an A to G substitution at nucleotide position 1244. The glutamic acid at codon 415 is replaced by glycine, an amino acid with similar properties. This amino acid position is conserved. In addition, the in silico prediction for this alteration is inconclusive. Based on the available evidence, the clinical significance of this variant remains unclear.